The following is an entry in ClinVar:

NM_001376.5(DYNC1H1):c.12418C>T (p.Arg4140Cys)

Gene: DYNC1H1 (dynein cytoplasmic 1 heavy chain 1; plus strand). Cytogenetic location: 14q32.31.
Variant type: single nucleotide variant.
Coding change: c.12418C>T on transcript NM_001376.5 (MANE Select); coding-DNA position 12418, C replaced by T.
Protein change: p.Arg4140Cys; replaces arginine 4140 with cysteine.
Molecular consequence: missense variant.
Genome position (GRCh38, 1-based): chr14:102,042,653, C>T. VCF-style: chr14-102042653-C-T. GRCh37 (hg19) VCF-style: chr14-102508990-C-T.
Other names: short protein forms R4140C.
Identifiers: ClinVar variation 1312990 (VCV001312990.9), dbSNP rs764278958, ClinGen allele CA7353929.
Genomic context (GRCh38, chr14:102,042,653, plus strand): 5'-TCATCCACACCCGAGCATAACTGGAACGGCGCTCTCCCTTAGGTGCCTGTGAATCTGCTC[C>T]GTGCGGGCCGCATCTTTGTGTTCGAGCCACCGCCAGGGGTGAAGGCCAACATGCTGAGGA-3'
Protein context (NP_001367.2, residues 4130-4150): INPKVPVNLL[Arg4140Cys]AGRIFVFEPP

ClinVar aggregate classification (germline): Uncertain significance. Review status: criteria provided, multiple submitters, no conflicts (2 of 4 stars). 3 submissions from 3 submitters: Uncertain significance (3). Last evaluated 2025-10-07.

Conditions:
Inborn genetic diseases. Identifiers: MedGen C0950123, MeSH D030342.
Charcot-Marie-Tooth disease axonal type 2O. Also called: CHARCOT-MARIE-TOOTH NEUROPATHY, AXONAL, TYPE 2O; CHARCOT-MARIE-TOOTH DISEASE, AXONAL, AUTOSOMAL DOMINANT, TYPE 2O; Charcot-Marie-Tooth Neuropathy Type 2O; Charcot-Marie-Tooth disease, axonal, type 20. Identifiers: Orphanet 284232, MedGen C3280220, MONDO:0013644, OMIM 614228.

Allele frequency attached by ClinVar (database versions not stated): gnomAD exomes below 0.00001 and 0.00002; ExAC 0.00001; gnomAD 0.00001; TOPMed 0.00001.

Submissions (3):

Labcorp Genetics (formerly Invitae), Labcorp
Classification: Uncertain significance for Charcot-Marie-Tooth disease axonal type 2O. Last evaluated: 2025-10-07. Review status: criteria provided, single submitter. Criteria: Invitae Variant Classification Sherloc (09022015). Collection method: clinical testing. Allele origin: germline.
Comment: This sequence change replaces arginine, which is basic and polar, with cysteine, which is neutral and slightly polar, at codon 4140 of the DYNC1H1 protein (p.Arg4140Cys). This variant is present in population databases (rs764278958, gnomAD 0.004%). This variant has not been reported in the literature in individuals affected with DYNC1H1-related conditions. ClinVar contains an entry for this variant (Variation ID: 1312990). Invitae Evidence Modeling of protein sequence and biophysical properties (such as structural, functional, and spatial information, amino acid conservation, physicochemical variation, residue mobility, and thermodynamic stability) has been performed for this missense variant. However, the output from this modeling did not meet the statistical confidence thresholds required to predict the impact of this variant on DYNC1H1 protein function. In summary, the available evidence is currently insufficient to determine the role of this variant in disease. Therefore, it has been classified as a Variant of Uncertain Significance.

Ambry Genetics
Classification: Uncertain significance for Inborn genetic diseases. Last evaluated: 2025-08-23. Review status: criteria provided, single submitter. Criteria: Ambry Variant Classification Scheme 2023. Collection method: clinical testing. Allele origin: germline.

GeneDx
Classification: Uncertain significance. Last evaluated: 2024-06-05. Review status: criteria provided, single submitter. Criteria: GeneDx Variant Classification Process June 2021. Collection method: clinical testing. Allele origin: germline. Affected: yes.
Comment: In silico analysis supports that this missense variant has a deleterious effect on protein structure/function; Has not been previously published as pathogenic or benign to our knowledge; This variant is associated with the following publications: (PMID: 25512093, 25609763, 26100331)